The following is an entry in ClinVar:

NM_000023.4(SGCA):c.203del (p.Gly68fs)

Gene: SGCA (sarcoglycan alpha; plus strand). Cytogenetic location: 17q21.33.
Variant type: Deletion.
Coding change: c.203del on transcript NM_000023.4 (MANE Select); coding-DNA position 203, one base deleted (G; older notation c.203delG).
Protein change: p.Gly68fs; shifts the reading frame from glycine 68.
Molecular consequence: frameshift variant. On other transcripts: non-coding transcript variant (1).
Genome position (GRCh38, 1-based): chr17:50,167,627, G deleted; the last of 3 consecutive G bases (chr17:50,167,625-50,167,627); deleting any one gives the same sequence. VCF-style (leftmost placement, unchanged base first): chr17-50167624-AG-A. GRCh37 (hg19) VCF-style: chr17-48244985-AG-A.
Other names: c.203del, p.Gly68fs (NM_001135697.3); short protein forms G68fs.
Identifiers: ClinVar variation 594552 (VCV000594552.12), dbSNP rs1567739228, ClinGen allele CA913190534.

ClinVar aggregate classification (germline): Pathogenic/Likely pathogenic. Review status: criteria provided, multiple submitters, no conflicts (2 of 4 stars). 4 submissions from 4 submitters: Pathogenic (3); Likely pathogenic (1). Last evaluated 2024-03-09.

Conditions:
Autosomal recessive limb-girdle muscular dystrophy type 2D (LGMDR3). Also called: MUSCULAR DYSTROPHY, LIMB-GIRDLE, AUTOSOMAL RECESSIVE 3; ADHALINOPATHY, PRIMARY; DUCHENNE-LIKE AUTOSOMAL RECESSIVE MUSCULAR DYSTROPHY, TYPE 2. Identifiers: Orphanet 62, MedGen C2936332, MONDO:0011968, OMIM 608099. Disease mechanism: Affects gamma-sarcoglycan and also disrupts the integrity of the entire sarcoglycan complex..

Submissions (4):

Baylor Genetics
Classification: Likely pathogenic for Autosomal recessive limb-girdle muscular dystrophy type 2D. Last evaluated: 2024-03-09. Review status: criteria provided, single submitter. Criteria: ACMG Guidelines, 2015. Collection method: clinical testing. Allele origin: unknown.

Genome-Nilou Lab
Classification: Pathogenic for Autosomal recessive limb-girdle muscular dystrophy type 2D. Last evaluated: 2023-02-08. Review status: criteria provided, single submitter. Criteria: ACMG Guidelines, 2015. Collection method: clinical testing. Allele origin: germline.

Labcorp Genetics (formerly Invitae), Labcorp
Classification: Pathogenic for Autosomal recessive limb-girdle muscular dystrophy type 2D. Last evaluated: 2020-11-15. Review status: criteria provided, single submitter. Criteria: Invitae Variant Classification Sherloc (09022015). Collection method: clinical testing. Allele origin: germline.
Comment: For these reasons, this variant has been classified as Pathogenic. This sequence change creates a premature translational stop signal (p.Gly68Aspfs*143) in the SGCA gene. It is expected to result in an absent or disrupted protein product. Loss-of-function variants in SGCA are known to be pathogenic (PMID: 9192266). This variant is not present in population databases (ExAC no frequency). This variant has not been reported in the literature in individuals with SGCA-related conditions. ClinVar contains an entry for this variant (Variation ID: 594552).

Eurofins Ntd Llc (ga)
Classification: Pathogenic. Last evaluated: 2017-10-20. Review status: criteria provided, single submitter. Criteria: EGL Classification Definitions 2015. Collection method: clinical testing. Allele origin: germline. Observed: 2 variant alleles, 2 heterozygotes.

Literature cited by the submitters: PubMed 9192266 (cited by Labcorp Genetics (formerly Invitae), Labcorp).